The following is an entry in ClinVar:

NM_000256.3(MYBPC3):c.1188G>A (p.Trp396Ter)

Gene: MYBPC3 (myosin binding protein C3; minus strand). Cytogenetic location: 11p11.2.
Variant type: single nucleotide variant.
Coding change: c.1188G>A on transcript NM_000256.3 (MANE Select); coding-DNA position 1188, G replaced by A.
Protein change: p.Trp396Ter; replaces tryptophan 396 with a stop codon.
Molecular consequence: nonsense.
Genome position (GRCh38, 1-based): chr11:47,343,527, C>T on the plus strand (G>A on the coding strand, the complement: MYBPC3 is on the minus strand). VCF-style: chr11-47343527-C-T. GRCh37 (hg19) VCF-style: chr11-47365078-C-T.
Other names: p.W396*:TGG>TGA; p.Trp396*; c.1188G>A, p.Trp396Ter (LRG_386t1); short protein forms W396*.
Identifiers: ClinVar variation 181141 (VCV000181141.15), dbSNP rs397515890, ClinGen allele CA009844.
Genomic context (GRCh38, chr11:47,343,527, plus strand): 5'-CCCCCCTCCCCACCCCAGGCTGCACCTGCCGCTCATCTGGATCTCCTGGCCATTCTTGAG[C>T]CATTTGACCTCAGCGTCATGGTCAGCCAGTTCCACGGTCAGCCGGATCTTGTGGCCTTTG-3'

ClinVar aggregate classification (germline): Pathogenic. Review status: criteria provided, multiple submitters, no conflicts (2 of 4 stars). 7 submissions from 7 submitters: Pathogenic (7). Last evaluated 2026-06-08.

Conditions:
Cardiovascular phenotype. Identifiers: MedGen CN230736.
Hypertrophic cardiomyopathy 4. Also called: Familial hypertrophic cardiomyopathy 4. Identifiers: MedGen C1861862, MONDO:0007268, OMIM 115197.
Primary familial hypertrophic cardiomyopathy (HCM). Identifiers: Orphanet 99739, MedGen C0949658, MeSH D024741, MONDO:0024573. Inheritance: Various modes of inheritance.
Hypertrophic cardiomyopathy. Also called: HYPERTROPHIC MYOCARDIOPATHY. Identifiers: Orphanet 217569, MedGen C0007194, MeSH D002312, MONDO:0005045, HP:0001639.

Allele frequency attached by ClinVar (database versions not stated): gnomAD 0.00001.
gnomAD v4.1: 1 of 1,607,414 alleles (0.000062%); highest among the groups gnomAD compares: African/African-American, 0.0013%; no homozygotes.

Submissions (7):

Women's Health and Genetics/Laboratory Corporation of America, LabCorp
Classification: Pathogenic for Primary familial hypertrophic cardiomyopathy. Last evaluated: 2026-06-08. Review status: criteria provided, single submitter. Criteria: LabCorp Variant Classification Summary - May 2015. Collection method: clinical testing. Allele origin: germline.
Comment: Variant summary: MYBPC3 c.1188G>A (p.Trp396X) results in a premature termination codon, predicted to cause a truncation of the encoded protein or absence of the protein due to nonsense mediated decay, which are commonly known mechanisms for disease. The variant allele was found at a frequency of 6.2e-07 in 1600434 control chromosomes in the gnomAD database (v4.1 dataset). A different variant resulting in an equivalent protein level change (W396X) has been observed in an individual affected with Hypertrophic Cardiomyopathy (e.g. Dai_2021). To our knowledge, no experimental evidence demonstrating an impact on protein function has been reported. The following publications have been ascertained in the context of this evaluation (PMID: 34333030, 34542152). ClinVar contains an entry for this variant (Variation ID: 181141). Based on the evidence outlined above, the variant was classified as pathogenic.

Labcorp Genetics (formerly Invitae), Labcorp
Classification: Pathogenic for Hypertrophic cardiomyopathy. Last evaluated: 2025-12-24. Review status: criteria provided, single submitter. Criteria: Invitae Variant Classification Sherloc (09022015). Collection method: clinical testing. Allele origin: germline.
Comment: This sequence change creates a premature translational stop signal (p.Trp396*) in the MYBPC3 gene. It is expected to result in an absent or disrupted protein product. Loss-of-function variants in MYBPC3 are known to be pathogenic (PMID: 19574547). This variant is not present in population databases (gnomAD no frequency). This variant has not been reported in the literature in individuals affected with MYBPC3-related conditions. ClinVar contains an entry for this variant (Variation ID: 181141). For these reasons, this variant has been classified as Pathogenic.

GeneDx
Classification: Pathogenic. Last evaluated: 2024-07-15. Review status: criteria provided, single submitter. Criteria: GeneDx Variant Classification Process June 2021. Collection method: clinical testing. Allele origin: germline. Affected: yes.
Comment: Has not been previously published as pathogenic or benign in association with an MYBPC3-related disorder to our knowledge; Not observed at significant frequency in large population cohorts (gnomAD); Nonsense variant predicted to result in protein truncation or nonsense mediated decay in a gene for which loss of function is a known mechanism of disease; This variant is associated with the following publications: (PMID: 34542152)

MVZ Medizinische Genetik Mainz
Classification: Pathogenic for Hypertrophic cardiomyopathy 4. Last evaluated: 2024-07-10. Review status: criteria provided, single submitter. Criteria: UK Practice Guidelines For Variant Classification V4 01 2020. Collection method: clinical testing. Allele origin: germline. Inheritance: Autosomal dominant inheritance. Affected: yes. Observed: 1 variant allele.
Comment: ACMG Criteria: PVS1,PM2_SUP,PM5_SUP

Mayo Clinic Laboratories, Mayo Clinic
Classification: Pathogenic. Last evaluated: 2024-06-19. Review status: criteria provided, single submitter. Criteria: ACMG Guidelines, 2015. Collection method: clinical testing. Allele origin: germline. Observed: 1 variant allele.
Comment: PM2, PS4_supporting, PVS1

Ambry Genetics
Classification: Pathogenic for Cardiovascular phenotype. Last evaluated: 2024-03-28. Review status: criteria provided, single submitter. Criteria: Ambry Variant Classification Scheme 2023. Collection method: clinical testing. Allele origin: germline.
Comment: The p.W396* pathogenic mutation (also known as c.1188G>A), located in coding exon 13 of the MYBPC3 gene, results from a G to A substitution at nucleotide position 1188. This changes the amino acid from a tryptophan to a stop codon within coding exon 13. A different nucleotide substitution (c.1187G>A) resulting in the same protein impact has been detected in a hypertrophic cardiomyopathy cohort (Zou Y et al. Mol. Biol. Rep., 2013 Jun;40:3969-76). This variant is considered to be rare based on population cohorts in the Genome Aggregation Database (gnomAD). This alteration is expected to result in loss of function by premature protein truncation or nonsense-mediated mRNA decay. As such, this alteration is interpreted as a disease-causing mutation.

AiLife Diagnostics
Classification: Pathogenic. Last evaluated: 2022-02-15. Review status: criteria provided, single submitter. Criteria: ACMG Guidelines, 2015. Collection method: clinical testing. Allele origin: germline. Affected: yes. Observed: 1 variant allele.

Literature cited by the submitters: PubMed 34333030 (cited by Women's Health and Genetics/Laboratory Corporation of America, LabCorp); PubMed 34542152 (cited by Women's Health and Genetics/Laboratory Corporation of America, LabCorp and Mayo Clinic Laboratories, Mayo Clinic); PubMed 19574547 (cited by Labcorp Genetics (formerly Invitae), Labcorp); PubMed 23283745 (cited by Mayo Clinic Laboratories, Mayo Clinic and Ambry Genetics).